The following is an entry in ClinVar:

ClinVar aggregate classification (germline): Likely benign. Review status: criteria provided, multiple submitters, no conflicts (2 of 4 stars). 2 submissions from 2 submitters: Likely benign (2). Last evaluated 2025-08-01.

Allele frequency attached by ClinVar (database versions not stated): gnomAD exomes 0.00001; ExAC 0.00002; gnomAD 0.00003; TOPMed 0.00003; ESP Exome Variant Server 0.00008; 1000 Genomes Project 30x 0.00047; 1000 Genomes Project 0.00060.
gnomAD v4.1: 23 of 1,613,942 alleles (0.0014%); highest among the groups gnomAD compares: African/African-American, 0.013%; no homozygotes.

Submissions (2):

CeGaT Center for Human Genetics Tuebingen
Classification: Likely benign. Last evaluated: 2025-08-01. Review status: criteria provided, single submitter. Criteria: CeGaT Center For Human Genetics Tuebingen Variant Classification Criteria Version 2. Collection method: clinical testing. Allele origin: germline. Affected: yes. Observed: 1 variant allele.
Comment: GABRA5: BP4, BP7

Women's Health and Genetics/Laboratory Corporation of America, LabCorp
Classification: Likely benign. Last evaluated: 2024-04-24. Review status: criteria provided, single submitter. Criteria: LabCorp Variant Classification Summary - May 2015. Collection method: clinical testing. Allele origin: germline.

NM_000810.4(GABRA5):c.555C>T (p.His185=)

Gene: GABRA5 (gamma-aminobutyric acid type A receptor subunit alpha5; plus strand). Cytogenetic location: 15q12.
Variant type: single nucleotide variant.
Coding change: c.555C>T on transcript NM_000810.4 (MANE Select); coding-DNA position 555, C replaced by T.
Protein change: p.His185=; no amino-acid change (histidine 185 retained).
Molecular consequence: synonymous variant.
Genome position (GRCh38, 1-based): chr15:26,914,860, C>T. VCF-style: chr15-26914860-C-T. GRCh37 (hg19) VCF-style: chr15-27160007-C-T.
Other names: c.555C>T, p.His185= (NM_001165037.2).
Identifiers: ClinVar variation 3251750 (VCV003251750.9), dbSNP rs140643363.